The following is an entry in ClinVar:

NM_001367624.2(ZNF469):c.9156G>C (p.Lys3052Asn)

Gene: ZNF469 (zinc finger protein 469; plus strand). Cytogenetic location: 16q24.2.
Variant type: single nucleotide variant.
Coding change: c.9156G>C on transcript NM_001367624.2 (MANE Select); coding-DNA position 9156, G replaced by C.
Protein change: p.Lys3052Asn; replaces lysine 3052 with asparagine.
Molecular consequence: missense variant.
Genome position (GRCh38, 1-based): chr16:88,436,626, G>C. VCF-style: chr16-88436626-G-C. GRCh37 (hg19) VCF-style: chr16-88503034-G-C.
Other names: NM_001127464.1:c.9072G>C; short protein forms K3052N.
Identifiers: ClinVar variation 1765681 (VCV001765681.2), dbSNP rs900811705, ClinGen allele CA397121027.

ClinVar aggregate classification (germline): Uncertain significance (1 of 4 stars; one submission).

Conditions:
Cardiovascular phenotype. Identifiers: MedGen CN230736.

gnomAD v4.1: 1 of 1,550,396 alleles (0.000064%); highest among the groups gnomAD compares: South Asian, 0.0012%; no homozygotes.

Submission:

Ambry Genetics
Classification: Uncertain significance for Cardiovascular phenotype. Last evaluated: 2022-07-10. Review status: criteria provided, single submitter. Criteria: Ambry Variant Classification Scheme 2023. Collection method: clinical testing. Allele origin: germline.
Comment: The p.K3024N variant (also known as c.9072G>C), located in coding exon 2 of the ZNF469 gene, results from a G to C substitution at nucleotide position 9072. The lysine at codon 3024 is replaced by asparagine, an amino acid with similar properties. This amino acid position is conserved. In addition, this alteration is predicted to be tolerated by in silico analysis. Since supporting evidence is limited at this time, the clinical significance of this alteration remains unclear.